The following is an entry in ClinVar:

ClinVar aggregate classification (germline): Benign. Review status: criteria provided, multiple submitters, no conflicts (2 of 4 stars). 2 submissions from 2 submitters: Benign (2). Last evaluated 2018-06-14.

Allele frequency attached by ClinVar (database versions not stated): gnomAD exomes 0.00155 and 0.00426; ExAC 0.00505; gnomAD 0.01605 and 0.01714; TOPMed 0.01825; ESP Exome Variant Server 0.01853; 1000 Genomes Project 0.01857; 1000 Genomes Project 30x 0.02046.
gnomAD v4.1: 4,793 of 1,612,154 alleles (0.3%); highest among the groups gnomAD compares: African/African-American, 5.4%; 118 homozygotes.

Submissions (2):

GeneDx
Classification: Benign. Last evaluated: 2018-06-14. Review status: criteria provided, single submitter. Criteria: GeneDx Variant Classification (06012015). Collection method: clinical testing. Allele origin: germline. Affected: yes.
Comment: This variant is considered likely benign or benign based on one or more of the following criteria: it is a conservative change, it occurs at a poorly conserved position in the protein, it is predicted to be benign by multiple in silico algorithms, and/or has population frequency not consistent with disease.

Breakthrough Genomics
Classification: Benign. Review status: criteria provided, single submitter. Criteria: ACMG Guidelines, 2015. Collection method: not provided. Allele origin: germline. Inheritance: Unknown mechanism. Affected: yes.

NM_005911.6(MAT2A):c.169+47A>G

Genes: GGCX (gamma-glutamyl carboxylase; minus strand), MAT2A (methionine adenosyltransferase 2A; plus strand). Cytogenetic location: 2p11.2.
Variant type: single nucleotide variant.
Coding change: c.169+47A>G on transcript NM_005911.6 (MANE Select); 47 bases into the intron after coding-DNA position 169, A replaced by G.
Molecular consequence: intron variant.
Genome position (GRCh38, 1-based): chr2:85,541,207, A>G. VCF-style: chr2-85541207-A-G. GRCh37 (hg19) VCF-style: chr2-85768330-A-G.
Identifiers: ClinVar variation 679091 (VCV000679091.2), dbSNP rs58507836, ClinGen allele CA1741336.